The following is an entry in ClinVar:

NM_001079802.2(FKTN):c.1284G>T (p.Lys428Asn)

Gene: FKTN (fukutin; plus strand). Cytogenetic location: 9q31.2.
Variant type: single nucleotide variant.
Coding change: c.1284G>T on transcript NM_001079802.2 (MANE Select); coding-DNA position 1284, G replaced by T.
Protein change: p.Lys428Asn; replaces lysine 428 with asparagine.
Molecular consequence: missense variant. On other transcripts: 3 prime UTR variant (1), non-coding transcript variant (2), intron variant (1).
Genome position (GRCh38, 1-based): chr9:105,635,162, G>T. VCF-style: chr9-105635162-G-T. GRCh37 (hg19) VCF-style: chr9-108397443-G-T.
Other names: c.1284G>T, p.Lys428Asn (NM_001351496.2, NM_006731.2); c.1215G>T, p.Lys405Asn (NM_001351497.2); c.*76G>T (NM_001351498.2); c.888G>T, p.Lys296Asn (NM_001351499.2, NM_001351500.2, NM_001351501.2 and 1 more transcripts); c.1270+14G>T (NM_001198963.2); short protein forms K405N, K296N, K428N.
Identifiers: ClinVar variation 935608 (VCV000935608.9), dbSNP rs938548521, ClinGen allele CA197462022.

ClinVar aggregate classification (germline): Uncertain significance (1 of 4 stars; one submission).

Conditions:
Walker-Warburg congenital muscular dystrophy. Also called: Muscular dystrophy-dystroglycanopathy, type A; Walker-Warburg syndrome. Identifiers: Orphanet 899, MedGen C0265221, MONDO:0000171.

Allele frequency attached by ClinVar (database versions not stated): TOPMed 0.00001.
gnomAD v4.1: 1 of 1,614,118 alleles (0.000062%); highest among the groups gnomAD compares: Non-Finnish European, 0.000085%; no homozygotes.

Submission:

Labcorp Genetics (formerly Invitae), Labcorp
Classification: Uncertain significance for Walker-Warburg congenital muscular dystrophy. Last evaluated: 2023-05-19. Review status: criteria provided, single submitter. Criteria: Invitae Variant Classification Sherloc (09022015). Collection method: clinical testing. Allele origin: germline.
Comment: This variant has not been reported in the literature in individuals affected with FKTN-related conditions. This variant is not present in population databases (gnomAD no frequency). This sequence change replaces lysine, which is basic and polar, with asparagine, which is neutral and polar, at codon 428 of the FKTN protein (p.Lys428Asn). In summary, the available evidence is currently insufficient to determine the role of this variant in disease. Therefore, it has been classified as a Variant of Uncertain Significance. Advanced modeling of protein sequence and biophysical properties (such as structural, functional, and spatial information, amino acid conservation, physicochemical variation, residue mobility, and thermodynamic stability) performed at Invitae indicates that this missense variant is not expected to disrupt FKTN protein function. ClinVar contains an entry for this variant (Variation ID: 935608).